The following is an entry in ClinVar:

NM_005585.5(SMAD6):c.323C>G (p.Ala108Gly)

Gene: SMAD6 (SMAD family member 6; plus strand). Cytogenetic location: 15q22.31.
Variant type: single nucleotide variant.
Coding change: c.323C>G on transcript NM_005585.5 (MANE Select); coding-DNA position 323, C replaced by G.
Protein change: p.Ala108Gly; replaces alanine 108 with glycine.
Molecular consequence: missense variant. On other transcripts: non-coding transcript variant (1).
Genome position (GRCh38, 1-based): chr15:66,703,581, C>G. VCF-style: chr15-66703581-C-G. GRCh37 (hg19) VCF-style: chr15-66995919-C-G.
Other names: short protein forms A108G.
Identifiers: ClinVar variation 1729274 (VCV001729274.3), dbSNP rs1382344647, ClinGen allele CA392949293.
Genomic context (GRCh38, chr15:66,703,581, plus strand): 5'-GCCCCCCGAGGCCCATGTCGGAGCCAGGGGCCGGCGCTGGGAGCTCCCTGCTGGACGTGG[C>G]GGAGCCGGGAGGCCCGGGCTGGCTGCCCGAGAGTGACTGCGAGACGGTGACCTGCTGTCT-3'
Protein context (NP_005576.3, residues 98-118): AGAGSSLLDV[Ala108Gly]EPGGPGWLPE

ClinVar aggregate classification (germline): Uncertain significance (1 of 4 stars; one submission).

Conditions:
Inborn genetic diseases. Identifiers: MedGen C0950123, MeSH D030342.

Submission:

Ambry Genetics
Classification: Uncertain significance for Inborn genetic diseases. Last evaluated: 2024-10-22. Review status: criteria provided, single submitter. Criteria: Ambry Variant Classification Scheme 2023. Collection method: clinical testing. Allele origin: germline.
Comment: The p.A108G variant (also known as c.323C>G), located in coding exon 1 of the SMAD6 gene, results from a C to G substitution at nucleotide position 323. The alanine at codon 108 is replaced by glycine, an amino acid with similar properties. This amino acid position is conserved. In addition, this alteration is predicted to be tolerated by in silico analysis. Since supporting evidence is limited at this time, the clinical significance of this alteration remains unclear.